The following is an entry in ClinVar:

ClinVar aggregate classification (germline): Uncertain significance. Review status: criteria provided, multiple submitters, no conflicts (2 of 4 stars). 2 submissions from 2 submitters: Uncertain significance (2). Last evaluated 2018-07-29.

Conditions:
Autosomal recessive congenital ichthyosis 5 (ARCI5). Also called: Ichthyosis, nonlamellar and nonerythrodermic, congenital, autosomal recessive; ICHTHYOSIS CONGENITA III. Identifiers: Orphanet 313, MedGen C1858133, MONDO:0011485, OMIM 604777.

Allele frequency attached by ClinVar (database versions not stated): gnomAD exomes 0.00003; ExAC 0.00004; gnomAD 0.00010 and 0.00011; TOPMed 0.00009.
gnomAD v4.1: 67 of 1,614,128 alleles (0.0042%); highest among the groups gnomAD compares: East Asian, 0.033%; no homozygotes.

Submissions (2):

Baylor Genetics
Classification: Uncertain significance for Autosomal recessive congenital ichthyosis 5. Last evaluated: 2018-07-29. Review status: criteria provided, single submitter. Criteria: ACMG Guidelines, 2015. Collection method: clinical testing. Allele origin: paternal. Affected: yes.
Comment: This variant was determined to be of uncertain significance according to ACMG Guidelines, 2015 [PMID:25741868].

Illumina Laboratory Services, Illumina
Classification: Uncertain significance for Autosomal recessive congenital ichthyosis 5. Last evaluated: 2018-01-13. Review status: criteria provided, single submitter. Criteria: ICSL Variant Classification Criteria 13 December 2019. Collection method: clinical testing. Allele origin: germline.

NM_173483.4(CYP4F22):c.461G>A (p.Arg154Gln)

Gene: CYP4F22 (cytochrome P450 family 4 subfamily F member 22; plus strand). Cytogenetic location: 19p13.12.
Variant type: single nucleotide variant.
Coding change: c.461G>A on transcript NM_173483.4 (MANE Select); coding-DNA position 461, G replaced by A.
Protein change: p.Arg154Gln; replaces arginine 154 with glutamine.
Molecular consequence: missense variant.
Genome position (GRCh38, 1-based): chr19:15,537,574, G>A. VCF-style: chr19-15537574-G-A. GRCh37 (hg19) VCF-style: chr19-15648385-G-A.
Other names: short protein forms R154Q.
Identifiers: ClinVar variation 328430 (VCV000328430.6), dbSNP rs779288178, ClinGen allele CA9269592.